The following is an entry in ClinVar:

NM_015386.3(COG4):c.59C>T (p.Pro20Leu)

Gene: COG4 (component of oligomeric golgi complex 4; minus strand). Cytogenetic location: 16q22.1.
Variant type: single nucleotide variant.
Coding change: c.59C>T on transcript NM_015386.3 (MANE Select); coding-DNA position 59, C replaced by T.
Protein change: p.Pro20Leu; replaces proline 20 with leucine.
Molecular consequence: missense variant. On other transcripts: 5 prime UTR variant (1), non-coding transcript variant (1).
Genome position (GRCh38, 1-based): chr16:70,523,485, G>A on the plus strand (C>T on the coding strand, the complement: COG4 is on the minus strand). VCF-style: chr16-70523485-G-A. GRCh37 (hg19) VCF-style: chr16-70557388-G-A.
Other names: c.47C>T, p.Pro16Leu (NM_001195139.2); c.-541C>T (NM_001365426.1); short protein forms P20L, P16L.
Identifiers: ClinVar variation 2574214 (VCV002574214.2), dbSNP rs781200899, ClinGen allele CA8144843.

ClinVar aggregate classification (germline): Uncertain significance. Review status: criteria provided, multiple submitters, no conflicts (2 of 4 stars). 2 submissions from 2 submitters: Uncertain significance (2). Last evaluated 2024-12-31.

Conditions:
Inborn genetic diseases. Identifiers: MedGen C0950123, MeSH D030342.

Allele frequency attached by ClinVar (database versions not stated): gnomAD 0.00001 and 0.00003; TOPMed 0.00002; ExAC 0.00006.
gnomAD v4.1: 58 of 1,613,938 alleles (0.0036%); highest among the groups gnomAD compares: Middle Eastern, 0.049%; no homozygotes.

Submissions (2):

Ambry Genetics
Classification: Uncertain significance for Inborn genetic diseases. Last evaluated: 2024-12-31. Review status: criteria provided, single submitter. Criteria: Ambry Variant Classification Scheme 2023. Collection method: clinical testing. Allele origin: germline.

GeneDx
Classification: Uncertain significance. Last evaluated: 2023-01-31. Review status: criteria provided, single submitter. Criteria: GeneDx Variant Classification Process June 2021. Collection method: clinical testing. Allele origin: germline. Affected: yes.
Comment: In silico analysis supports that this missense variant does not alter protein structure/function; Has not been previously published as pathogenic or benign to our knowledge; This variant is associated with the following publications: (PMID: 29467253)